The following is an entry in ClinVar:

NM_006214.4(PHYH):c.744G>A (p.Leu248=)

Gene: PHYH (phytanoyl-CoA 2-hydroxylase; minus strand). Cytogenetic location: 10p13.
Variant type: single nucleotide variant.
Coding change: c.744G>A on transcript NM_006214.4 (MANE Select); coding-DNA position 744, G replaced by A.
Protein change: p.Leu248=; no amino-acid change (leucine 248 retained).
Molecular consequence: synonymous variant.
Genome position (GRCh38, 1-based): chr10:13,283,774, C>T on the plus strand (G>A on the coding strand, the complement: PHYH is on the minus strand). VCF-style: chr10-13283774-C-T. GRCh37 (hg19) VCF-style: chr10-13325774-C-T.
Other names: c.444G>A, p.Leu148= (NM_001037537.2, NM_001323080.2); c.750G>A, p.Leu250= (NM_001323082.2); c.480G>A, p.Leu160= (NM_001323083.2); c.450G>A, p.Leu150= (NM_001323084.2).
Identifiers: ClinVar variation 1437291 (VCV001437291.1), dbSNP rs2131634591, ClinGen allele CA468237031.

ClinVar aggregate classification (germline): Uncertain significance (1 of 4 stars; one submission).

Submission:

Labcorp Genetics (formerly Invitae), Labcorp
Classification: Uncertain significance. Last evaluated: 2021-07-28. Review status: criteria provided, single submitter. Criteria: Invitae Variant Classification Sherloc (09022015). Collection method: clinical testing. Allele origin: germline.
Comment: This sequence change affects codon 248 of the PHYH mRNA. It is a 'silent' change, meaning that it does not change the encoded amino acid sequence of the PHYH protein. This variant is not present in population databases (ExAC no frequency). This variant has not been reported in the literature in individuals affected with PHYH-related conditions. Algorithms developed to predict the effect of sequence changes on RNA splicing suggest that this variant may create or strengthen a splice site. In summary, the available evidence is currently insufficient to determine the role of this variant in disease. Therefore, it has been classified as a Variant of Uncertain Significance.